The following is an entry in ClinVar:

NM_003000.3(SDHB):c.736A>T (p.Ile246Phe)

Gene: SDHB (succinate dehydrogenase complex iron sulfur subunit B; minus strand). Cytogenetic location: 1p36.13.
Variant type: single nucleotide variant.
Coding change: c.736A>T on transcript NM_003000.3 (MANE Select); coding-DNA position 736, A replaced by T.
Protein change: p.Ile246Phe; replaces isoleucine 246 with phenylalanine.
Molecular consequence: missense variant.
Genome position (GRCh38, 1-based): chr1:17,022,637, T>A on the plus strand (A>T on the coding strand, the complement: SDHB is on the minus strand). VCF-style: chr1-17022637-T-A. GRCh37 (hg19) VCF-style: chr1-17349132-T-A.
Other names: short protein forms I246F.
Identifiers: ClinVar variation 438427 (VCV000438427.4), dbSNP rs146800605, ClinGen allele CA338270117.
Genomic context (GRCh38, chr1:17,022,637, plus strand): 5'-GGCAGAGCTGAGGGTCACCAGCCCCACGTACCTTAGGACAGGTCCTTGTGCAGTTCATGA[T>A]GGTGTGGCAGCGGTATAGAGAGAATGGGTCCTGCAGCTTGGCCAGGCGCTCCTCTGTGAA-3'
Protein context (NP_002991.2, residues 236-256): DPFSLYRCHT[Ile246Phe]MNCTRTCPKG

ClinVar aggregate classification (germline): Uncertain significance. Review status: criteria provided, single submitter (1 of 4 stars). 2 submissions from 2 submitters: Uncertain significance (1). 1 of the submissions does not count toward it. Last evaluated 2023-06-27.

Conditions:
Hereditary pheochromocytoma and paraganglioma. Also called: Hereditary Paraganglioma-Pheochromocytoma Syndromes; Hereditary pheochromocytoma-paraganglioma; Hereditary paragangliomas and pheochromocytomas. Identifiers: Orphanet 29072, MedGen C4274332, MONDO:0017366.
Pheochromocytoma/paraganglioma syndrome 4. Also called: PARAGANGLIOMA, FAMILIAL MALIGNANT; PARAGANGLIOMAS, HEREDITARY EXTRAADRENAL; PHEOCHROMOCYTOMA, FAMILIAL EXTRAADRENAL; Paragangliomas 4; CAROTID BODY TUMORS AND MULTIPLE EXTRAADRENAL PHEOCHROMOCYTOMAS; SDHB-Related Hereditary Paraganglioma-Pheochromocytoma Syndrome (Paragangliomas 4). Identifiers: Orphanet 29072, MedGen C1861848, MONDO:0007273, OMIM 115310.
Gastrointestinal stromal tumor. Also called: Gastrointestinal stroma tumor; Gastrointestinal stromal tumor, somatic. Identifiers: Orphanet 44890, MedGen C0238198, MeSH D046152, MONDO:0011719, OMIM 606764, HP:0100723.
Pheochromocytoma. Also called: MAX-Related Hereditary Paraganglioma-Pheochromocytoma Syndrome. Identifiers: Orphanet 29072, MedGen C0031511, MONDO:0008233, OMIM 171300, HP:0002666.

Submissions (2):

Labcorp Genetics (formerly Invitae), Labcorp
Classification: Uncertain significance for Gastrointestinal stromal tumor; Pheochromocytoma/paraganglioma syndrome 4; Pheochromocytoma. Last evaluated: 2023-06-27. Review status: criteria provided, single submitter. Criteria: Invitae Variant Classification Sherloc (09022015). Collection method: clinical testing. Allele origin: germline.
Comment: Advanced modeling of protein sequence and biophysical properties (such as structural, functional, and spatial information, amino acid conservation, physicochemical variation, residue mobility, and thermodynamic stability) performed at Invitae indicates that this missense variant is expected to disrupt SDHB protein function. In summary, the available evidence is currently insufficient to determine the role of this variant in disease. Therefore, it has been classified as a Variant of Uncertain Significance. This variant is not present in population databases (gnomAD no frequency). This missense change has been observed in individual(s) with head and neck paraganglioma (PMID: 19351833, 31492822). ClinVar contains an entry for this variant (Variation ID: 438427). This sequence change replaces isoleucine, which is neutral and non-polar, with phenylalanine, which is neutral and non-polar, at codon 246 of the SDHB protein (p.Ile246Phe).

Section on Medical Neuroendocrinolgy, National Institutes of Health
Classification: Pathogenic for Hereditary pheochromocytoma and paraganglioma. Review status: no assertion criteria provided. Collection method: research. Allele origin: germline. Affected: yes. Not counted in ClinVar's aggregate classification.

Literature cited by the submitters: PubMed 19351833 (cited by Labcorp Genetics (formerly Invitae), Labcorp); PubMed 31492822 (cited by Labcorp Genetics (formerly Invitae), Labcorp).